The following is an entry in ClinVar:

NM_001278512.2(AP3B2):c.3082_3084del (p.His1028del)

Genes: AP3B2 (adaptor related protein complex 3 subunit beta 2; minus strand), CPEB1-AS1 (CPEB1 antisense RNA 1; plus strand). Cytogenetic location: 15q25.2.
Variant type: Deletion.
Coding change: c.3082_3084del on transcript NM_001278512.2 (MANE Select); coding-DNA positions 3082 to 3084, 3 bases deleted (CAC; older notation c.3082_3084delCAC).
Protein change: p.His1028del; deletes histidine 1028.
Molecular consequence: inframe deletion.
Genome position (GRCh38, 1-based): chr15:82,659,916-82,659,918, GTG deleted on the plus strand (CAC on the coding strand, the reverse complement: AP3B2 is on the minus strand); deleting any 3 consecutive bases within chr15:82,659,916-82,659,920 gives the same sequence; the c. name uses the placement nearest the transcript's 3' end. VCF-style (leftmost placement, unchanged base first): chr15-82659915-TGTG-T. GRCh37 (hg19) VCF-style: chr15-83328667-TGTG-T.
Other names: c.2929_2931del, p.His977del (NM_001278511.2); c.214_216del, p.His72del (NM_001348441.2); c.3025_3027del, p.His1009del (NM_004644.5); short protein forms H1009del, H977del, H72del, H1028del.
Identifiers: ClinVar variation 1402218 (VCV001402218.3), dbSNP rs1482065639, ClinGen allele CA619408858.
Genomic context (GRCh38, chr15:82,659,915, plus strand): 5'-CAGATGTCCCACAAGGAACACGACCCAGGTTGGCAGTGGCAGTCACTTTCTGCACCACAA[TGTG>T]GTCACTCCGACAGGTGTCTGGCAGCATGAGTTTCTCTGTGATCTCATTCATGCCCATCAG-3'

ClinVar aggregate classification (germline): Uncertain significance (1 of 4 stars; one submission).

Submission:

Labcorp Genetics (formerly Invitae), Labcorp
Classification: Uncertain significance. Last evaluated: 2022-10-24. Review status: criteria provided, single submitter. Criteria: Invitae Variant Classification Sherloc (09022015). Collection method: clinical testing. Allele origin: germline.
Comment: This variant, c.3025_3027del, results in the deletion of 1 amino acid(s) of the AP3B2 protein (p.His1009del), but otherwise preserves the integrity of the reading frame. This variant is present in population databases (no rsID available, gnomAD 0.0009%). This variant has not been reported in the literature in individuals affected with AP3B2-related conditions. ClinVar contains an entry for this variant (Variation ID: 1402218). Experimental studies and prediction algorithms are not available or were not evaluated, and the functional significance of this variant is currently unknown. In summary, the available evidence is currently insufficient to determine the role of this variant in disease. Therefore, it has been classified as a Variant of Uncertain Significance.